The following is an entry in ClinVar:

ClinVar aggregate classification (germline): Likely benign. Review status: criteria provided, multiple submitters, no conflicts (2 of 4 stars). 2 submissions from 2 submitters: Likely benign (2). Last evaluated 2025-11-01.

Conditions:
Immunodeficiency 51 (IMD51). Also called: CANDIDIASIS, FAMILIAL, 5. Identifiers: Orphanet 1334, MedGen C4310803, MONDO:0013500, OMIM 613953.

Allele frequency attached by ClinVar (database versions not stated): gnomAD 0.00011 and 0.00019; TOPMed 0.00022; gnomAD exomes 0.00030 and 0.00046; ExAC 0.00054; 1000 Genomes Project 30x 0.00109; 1000 Genomes Project 0.00140.
gnomAD v4.1: 460 of 1,614,202 alleles (0.028%); highest among the groups gnomAD compares: East Asian, 0.99%; 1 homozygote.

Submissions (2):

Labcorp Genetics (formerly Invitae), Labcorp
Classification: Likely benign for Immunodeficiency 51. Last evaluated: 2025-11-01. Review status: criteria provided, single submitter. Criteria: Invitae Variant Classification Sherloc (09022015). Collection method: clinical testing. Allele origin: germline.

Illumina Laboratory Services, Illumina
Classification: Likely benign for Immunodeficiency 51. Last evaluated: 2018-01-12. Review status: criteria provided, single submitter. Criteria: ICSL Variant Classification Criteria 13 December 2019. Collection method: clinical testing. Allele origin: germline.
Comment: This variant was observed in the ICSL laboratory as part of a predisposition screen in an ostensibly healthy population. It had not been previously curated by ICSL or reported in the Human Gene Mutation Database (HGMD: prior to June 1st, 2018), and was therefore a candidate for classification through an automated scoring system. Utilizing variant allele frequency, disease prevalence and penetrance estimates, and inheritance mode, an automated score was calculated to assess if this variant is too frequent to cause the disease. Based on the score and internal cut-off values, a variant classified as likely benign is not then subjected to further curation. The score for this variant resulted in a classification of likely benign for this disease.

NM_014339.7(IL17RA):c.655G>T (p.Val219Leu)

Gene: IL17RA (interleukin 17 receptor A; plus strand). Cytogenetic location: 22q11.1.
Variant type: single nucleotide variant.
Coding change: c.655G>T on transcript NM_014339.7 (MANE Select); coding-DNA position 655, G replaced by T.
Protein change: p.Val219Leu; replaces valine 219 with leucine.
Molecular consequence: missense variant.
Genome position (GRCh38, 1-based): chr22:17,102,195, G>T. VCF-style: chr22-17102195-G-T. GRCh37 (hg19) VCF-style: chr22-17583085-G-T.
Other names: c.655G>T, p.Val219Leu (NM_001289905.2); short protein forms V219L.
Identifiers: ClinVar variation 895006 (VCV000895006.12), dbSNP rs186541010, ClinGen allele CA10086448.
Genomic context (GRCh38, chr22:17,102,195, plus strand): 5'-GCAGGCAGCCTGTGGGACCCCAACATCACCGTGGAGACCCTGGAGGCCCACCAGCTGCGT[G>T]TGAGCTTCACCCTGTGGAACGAATCTACCCATTACCAGATCCTGCTGACCAGTTTTCCGC-3'
Protein context (NP_055154.3, residues 209-229): VETLEAHQLR[Val219Leu]SFTLWNESTH